The following is an entry in ClinVar:

NM_001018115.3(FANCD2):c.2354_2355del (p.Leu785fs)

Genes: FANCD2 (FA complementation group D2; plus strand), LOC107303338 (3p25 FANCD2 Alu-mediated recombination region; plus strand). Cytogenetic location: 3p25.3.
Variant type: Microsatellite.
Coding change: c.2354_2355del on transcript NM_001018115.3 (MANE Select); coding-DNA positions 2354 to 2355, 2 bases deleted (TC; older notation c.2354_2355delTC).
Protein change: p.Leu785fs; shifts the reading frame from leucine 785.
Molecular consequence: frameshift variant.
Genome position (GRCh38, 1-based): chr3:10,065,948-10,065,949, TC deleted; deleting any 2 consecutive bases within chr3:10,065,944-10,065,949 gives the same sequence; the c. name uses the placement nearest the transcript's 3' end. VCF-style (leftmost placement, unchanged base first): chr3-10065943-TTC-T. GRCh37 (hg19) VCF-style: chr3-10107627-TTC-T.
Other names: c.2354_2355del, p.Leu785fs (NM_001319984.2, NM_001374254.1, NM_033084.6); c.2243_2244del, p.Leu748fs (NM_001374253.1); short protein forms L785fs, L748fs.
Identifiers: ClinVar variation 2837681 (VCV002837681.4), dbSNP rs2469972086, ClinGen allele CA2739279372.

ClinVar aggregate classification (germline): Pathogenic/Likely pathogenic. Review status: criteria provided, multiple submitters, no conflicts (2 of 4 stars). 2 submissions from 2 submitters: Pathogenic (1); Likely pathogenic (1). Last evaluated 2024-02-21.

Conditions:
Fanconi anemia (FA). Also called: Fanconi's anemia. Identifiers: Orphanet 84, MedGen C0015625, MeSH D005199, MONDO:0019391.
FANCD2-related disorders.

Submissions (2):

Blueprint Genetics
Classification: Likely pathogenic for FANCD2-related disorders. Last evaluated: 2024-02-21. Review status: criteria provided, single submitter. Criteria: ACMG Guidelines, 2015. Collection method: clinical testing. Allele origin: germline. Affected: yes. Observed: 2 variant alleles.

Labcorp Genetics (formerly Invitae), Labcorp
Classification: Pathogenic for Fanconi anemia. Last evaluated: 2023-02-15. Review status: criteria provided, single submitter. Criteria: Invitae Variant Classification Sherloc (09022015). Collection method: clinical testing. Allele origin: germline.
Comment: This variant is not present in population databases (gnomAD no frequency). This sequence change creates a premature translational stop signal (p.Leu785Hisfs*22) in the FANCD2 gene. It is expected to result in an absent or disrupted protein product. Loss-of-function variants in FANCD2 are known to be pathogenic (PMID: 17436244). This variant has not been reported in the literature in individuals affected with FANCD2-related conditions. For these reasons, this variant has been classified as Pathogenic.

Literature cited by the submitters: PubMed 17436244 (cited by Labcorp Genetics (formerly Invitae), Labcorp).